The following is an entry in ClinVar:

NM_013275.6(ANKRD11):c.5130A>G (p.Leu1710=)

Gene: ANKRD11 (ankyrin repeat domain 11; minus strand). Cytogenetic location: 16q24.3.
Variant type: single nucleotide variant.
Coding change: c.5130A>G on transcript NM_013275.6 (MANE Select); coding-DNA position 5130, A replaced by G.
Protein change: p.Leu1710=; no amino-acid change (leucine 1710 retained).
Molecular consequence: synonymous variant.
Genome position (GRCh38, 1-based): chr16:89,281,412, T>C on the plus strand (A>G on the coding strand, the complement: ANKRD11 is on the minus strand). VCF-style: chr16-89281412-T-C. GRCh37 (hg19) VCF-style: chr16-89347820-T-C.
Other names: c.5130A>G, p.Leu1710= (NM_001256182.2, NM_001256183.2).
Identifiers: ClinVar variation 4084811 (VCV004084811.8).
Genomic context (GRCh38, chr16:89,281,412, plus strand): 5'-ATCGGCGCTGCAGGACGGGGTCCTGGGCGTGTGCATCACCTCCTCGTAGCTGGGGCAGGA[T>C]AGCACCGACGTAGGGGTGGGCACGCCAGTGGGCCGGCTCTGGTCAGGCCTGGGGGACGCA-3'
Protein context (NP_037407.4, residues 1700-1720): PTGVPTPTSV[Leu1710=]SCPSYEEVMH

ClinVar aggregate classification (germline): Likely benign (1 of 4 stars; one submission).

gnomAD v4.1: 2 of 1,611,120 alleles (0.00012%); highest among the groups gnomAD compares: South Asian, 0.0011%; no homozygotes.

Submission:

CeGaT Center for Human Genetics Tuebingen
Classification: Likely benign. Last evaluated: 2025-08-01. Review status: criteria provided, single submitter. Criteria: CeGaT Center For Human Genetics Tuebingen Variant Classification Criteria Version 2. Collection method: clinical testing. Allele origin: germline. Affected: yes. Observed: 1 variant allele.
Comment: ANKRD11: BP4, BP7